The following is an entry in ClinVar:

NM_001283009.2(RTEL1):c.2291C>A (p.Thr764Lys)

Genes: RTEL1 (regulator of telomere elongation helicase 1; plus strand), RTEL1-TNFRSF6B (RTEL1-TNFRSF6B readthrough (NMD candidate); plus strand). Cytogenetic location: 20q13.33.
Variant type: single nucleotide variant.
Coding change: c.2291C>A on transcript NM_001283009.2 (MANE Select); coding-DNA position 2291, C replaced by A.
Protein change: p.Thr764Lys; replaces threonine 764 with lysine.
Molecular consequence: missense variant. On other transcripts: non-coding transcript variant (1).
Genome position (GRCh38, 1-based): chr20:63,690,319, C>A. VCF-style: chr20-63690319-C-A. GRCh37 (hg19) VCF-style: chr20-62321672-C-A.
Other names: c.1622C>A, p.Thr541Lys (NM_001283010.1); c.2291C>A, p.Thr764Lys (NM_016434.4); c.2363C>A, p.Thr788Lys (NM_032957.5); short protein forms T541K, T764K, T788K.
Identifiers: ClinVar variation 3749698 (VCV003749698.2).

ClinVar aggregate classification (germline): Uncertain significance (1 of 4 stars; one submission).

Conditions:
Pulmonary fibrosis and/or bone marrow failure, Telomere-related, 3. Also called: PULMONARY FIBROSIS AND/OR BONE MARROW FAILURE SYNDROME, TELOMERE-RELATED, 3. Identifiers: Orphanet 2032, MedGen C4225346, MONDO:0014613, OMIM 616373.
Dyskeratosis congenita, autosomal recessive 5 (DKCB5). Identifiers: MedGen C3554656, MONDO:0014076, OMIM 615190.

gnomAD v4.1: 3 of 1,609,608 alleles (0.00019%); highest among the groups gnomAD compares: South Asian, 0.0033%; no homozygotes.

Submission:

Labcorp Genetics (formerly Invitae), Labcorp
Classification: Uncertain significance for Dyskeratosis congenita, autosomal recessive 5; Pulmonary fibrosis and/or bone marrow failure, Telomere-related, 3. Last evaluated: 2024-06-24. Review status: criteria provided, single submitter. Criteria: Invitae Variant Classification Sherloc (09022015). Collection method: clinical testing. Allele origin: germline.
Comment: This sequence change replaces threonine, which is neutral and polar, with lysine, which is basic and polar, at codon 764 of the RTEL1 protein (p.Thr764Lys). The frequency data for this variant in the population databases is considered unreliable, as metrics indicate poor data quality at this position in the gnomAD database. This variant has not been reported in the literature in individuals affected with RTEL1-related conditions. An algorithm developed to predict the effect of missense changes on protein structure and function (PolyPhen-2) suggests that this variant is likely to be tolerated. In summary, the available evidence is currently insufficient to determine the role of this variant in disease. Therefore, it has been classified as a Variant of Uncertain Significance.